The following is an entry in ClinVar:

NM_152783.5(D2HGDH):c.1421C>A (p.Ala474Glu)

Gene: D2HGDH (D-2-hydroxyglutarate dehydrogenase; plus strand). Cytogenetic location: 2q37.3.
Variant type: single nucleotide variant.
Coding change: c.1421C>A on transcript NM_152783.5 (MANE Select); coding-DNA position 1421, C replaced by A.
Protein change: p.Ala474Glu; replaces alanine 474 with glutamic acid.
Molecular consequence: missense variant. On other transcripts: non-coding transcript variant (1).
Genome position (GRCh38, 1-based): chr2:241,767,824, C>A. VCF-style: chr2-241767824-C-A. GRCh37 (hg19) VCF-style: chr2-242707239-C-A.
Other names: c.1019C>A, p.Ala340Glu (NM_001287249.2); c.860C>A, p.Ala287Glu (NM_001352824.2); short protein forms A340E, A287E, A474E.
Identifiers: ClinVar variation 4765381 (VCV004765381.1).
Genomic context (GRCh38, chr2:241,767,824, plus strand): 5'-TGGCTGCCCTGGAGCCCCACGTGTACGAGTGGACGGCCGGGCAGCAGGGCAGCGTCAGCG[C>A]GGAGCACGGAGTGGGCTTCAGGAAGAGGGACGTCCTGGGCTACAGCAAGCCACCGGGGGC-3'
Protein context (NP_689996.4, residues 464-484): WTAGQQGSVS[Ala474Glu]EHGVGFRKRD

ClinVar aggregate classification (germline): Likely pathogenic (1 of 4 stars; one submission).

Conditions:
D-2-hydroxyglutaric aciduria 1 (D2HGA1). Identifiers: Orphanet 79315, MedGen C3152055, MONDO:0024554, OMIM 600721.

Submission:

Labcorp Genetics (formerly Invitae), Labcorp
Classification: Likely pathogenic for D-2-hydroxyglutaric aciduria 1. Last evaluated: 2025-08-18. Review status: criteria provided, single submitter. Criteria: Invitae Variant Classification Sherloc (09022015). Collection method: clinical testing. Allele origin: germline.
Comment: This sequence change replaces alanine, which is neutral and non-polar, with glutamic acid, which is acidic and polar, at codon 474 of the D2HGDH protein (p.Ala474Glu). This variant is not present in population databases (gnomAD no frequency). This variant has not been reported in the literature in individuals affected with D2HGDH-related conditions. Invitae Evidence Modeling of protein sequence and biophysical properties (such as structural, functional, and spatial information, amino acid conservation, physicochemical variation, residue mobility, and thermodynamic stability) indicates that this missense variant is expected to disrupt D2HGDH protein function with a positive predictive value of 95%. This variant disrupts the p.Ala474 amino acid residue in D2HGDH. Other variant(s) that disrupt this residue have been determined to be pathogenic (PMID: 30908763, 33431826, 38825343; internal data). This suggests that this residue is clinically significant, and that variants that disrupt this residue are likely to be disease-causing. In summary, the currently available evidence indicates that the variant is pathogenic, but additional data are needed to prove that conclusively. Therefore, this variant has been classified as Likely Pathogenic.

Literature cited by the submitters: PubMed 30908763; PubMed 33431826; PubMed 38825343.